The following is an entry in ClinVar:

ClinVar aggregate classification (germline): Uncertain significance (1 of 4 stars; one submission).

Submission:

GeneDx
Classification: Uncertain significance. Last evaluated: 2023-05-31. Review status: criteria provided, single submitter. Criteria: GeneDx Variant Classification Process June 2021. Collection method: clinical testing. Allele origin: germline. Affected: yes.
Comment: Not observed at significant frequency in large population cohorts (gnomAD); In silico analysis supports a deleterious effect on splicing; Has not been previously published as pathogenic or benign to our knowledge

NM_001270.4(CHD1):c.1710+3_1710+4delinsC

Gene: CHD1 (chromodomain helicase DNA binding protein 1; minus strand). Cytogenetic location: 5q15.
Variant type: Indel.
Coding change: c.1710+3_1710+4delinsC on transcript NM_001270.4 (MANE Select); bases 3 to 4 of the intron after coding-DNA position 1710, AA replaced by C.
Molecular consequence: intron variant.
Genome position (GRCh38, 1-based): chr5:98,896,222-98,896,223, TT replaced by G on the plus strand (AA replaced by C on the coding strand, the reverse complement: CHD1 is on the minus strand). VCF-style: chr5-98896222-TT-G. GRCh37 (hg19) VCF-style: chr5-98231926-TT-G.
Other names: c.1710+3_1710+4delinsC (NM_001376194.2, NM_001364113.3).
Identifiers: ClinVar variation 3359315 (VCV003359315.1).